The following is an entry in ClinVar:

ClinVar aggregate classification (germline): Pathogenic (1 of 4 stars; one submission).

Submission:

Labcorp Genetics (formerly Invitae), Labcorp
Classification: Pathogenic. Last evaluated: 2025-08-06. Review status: criteria provided, single submitter. Criteria: Invitae Variant Classification Sherloc (09022015). Collection method: clinical testing. Allele origin: germline.
Comment: This sequence change creates a premature translational stop signal (p.Glu2464*) in the PCNT gene. It is expected to result in an absent or disrupted protein product. Loss-of-function variants in PCNT are known to be pathogenic (PMID: 18174396, 22821869). This variant is not present in population databases (gnomAD no frequency). This variant has not been reported in the literature in individuals affected with PCNT-related conditions. For these reasons, this variant has been classified as Pathogenic.

Literature cited by the submitters: PubMed 18174396; PubMed 22821869.

NM_006031.6(PCNT):c.7390G>T (p.Glu2464Ter)

Gene: PCNT (pericentrin; plus strand). Cytogenetic location: 21q22.3.
Variant type: single nucleotide variant.
Coding change: c.7390G>T on transcript NM_006031.6 (MANE Select); coding-DNA position 7390, G replaced by T.
Protein change: p.Glu2464Ter; replaces glutamic acid 2464 with a stop codon.
Molecular consequence: nonsense.
Genome position (GRCh38, 1-based): chr21:46,427,691, G>T. VCF-style: chr21-46427691-G-T. GRCh37 (hg19) VCF-style: chr21-47847605-G-T.
Other names: c.7036G>T, p.Glu2346Ter (NM_001315529.2); short protein forms E2346*, E2464*.
Identifiers: ClinVar variation 4711729 (VCV004711729.1).